The following is an entry in ClinVar:

NM_012452.3(TNFRSF13B):c.227G>A (p.Gly76Asp)

Gene: TNFRSF13B (TNF receptor superfamily member 13B; minus strand). Cytogenetic location: 17p11.2.
Variant type: single nucleotide variant.
Coding change: c.227G>A on transcript NM_012452.3 (MANE Select); coding-DNA position 227, G replaced by A.
Protein change: p.Gly76Asp; replaces glycine 76 with aspartic acid.
Molecular consequence: missense variant.
Genome position (GRCh38, 1-based): chr17:16,948,956, C>T on the plus strand (G>A on the coding strand, the complement: TNFRSF13B is on the minus strand). VCF-style: chr17-16948956-C-T. GRCh37 (hg19) VCF-style: chr17-16852270-C-T.
Other names: short protein forms G76D.
Identifiers: ClinVar variation 641589 (VCV000641589.6), dbSNP rs772701872, ClinGen allele CA8414063.

ClinVar aggregate classification (germline): Uncertain significance. Review status: criteria provided, multiple submitters, no conflicts (2 of 4 stars). 2 submissions from 2 submitters: Uncertain significance (2). Last evaluated 2022-01-05.

Conditions:
Inborn genetic diseases. Identifiers: MedGen C0950123, MeSH D030342.
Immunodeficiency, common variable, 2 (CVID2). Also called: HYPOGAMMAGLOBULINEMIA DUE TO TACI DEFICIENCY; ANTIBODY DEFICIENCY DUE TO TACI DEFECT. Identifiers: Orphanet 1572, MedGen C3150354, MONDO:0009413, OMIM 240500.

Allele frequency attached by ClinVar (database versions not stated): gnomAD below 0.00001 and 0.00001; ExAC 0.00002; gnomAD exomes 0.00003.
gnomAD v4.1: 22 of 1,613,996 alleles (0.0014%); highest among the groups gnomAD compares: South Asian, 0.023%; no homozygotes.

Submissions (2):

Ambry Genetics
Classification: Uncertain significance for Inborn genetic diseases. Last evaluated: 2022-01-05. Review status: criteria provided, single submitter. Criteria: Ambry Variant Classification Scheme 2023. Collection method: clinical testing. Allele origin: germline.

Labcorp Genetics (formerly Invitae), Labcorp
Classification: Uncertain significance for Immunodeficiency, common variable, 2. Last evaluated: 2018-12-20. Review status: criteria provided, single submitter. Criteria: Invitae Variant Classification Sherloc (09022015). Collection method: clinical testing. Allele origin: germline.
Comment: In summary, the available evidence is currently insufficient to determine the role of this variant in disease. Therefore, it has been classified as a Variant of Uncertain Significance. Algorithms developed to predict the effect of missense changes on protein structure and function are either unavailable or do not agree on the potential impact of this missense change (SIFT: "Tolerated"; PolyPhen-2: "Possibly Damaging"; Align-GVGD: "Class C0"). This variant has not been reported in the literature in individuals with TNFRSF13B-related conditions. This variant is present in population databases (rs772701872, ExAC 0.02%). This sequence change replaces glycine with aspartic acid at codon 76 of the TNFRSF13B protein (p.Gly76Asp). The glycine residue is highly conserved and there is a moderate physicochemical difference between glycine and aspartic acid.